The following is an entry in ClinVar:

NM_002878.4(RAD51D):c.345+1G>T

Genes: RAD51L3-RFFL (RAD51L3-RFFL readthrough; minus strand), RAD51D (RAD51 paralog D; minus strand). Cytogenetic location: 17q12.
Variant type: single nucleotide variant.
Coding change: c.345+1G>T on transcript NM_002878.4 (MANE Select); the canonical splice donor site of the intron after coding-DNA position 345, G replaced by T.
Molecular consequence: splice donor variant. On other transcripts: intron variant (1).
Genome position (GRCh38, 1-based): chr17:35,107,365, C>A on the plus strand (G>T on the coding strand, the complement: RAD51D is on the minus strand). VCF-style: chr17-35107365-C-A. GRCh37 (hg19) VCF-style: chr17-33434384-C-A.
Other names: c.145-884G>T (NM_133629.3); c.405+1G>T (NM_001142571.2).
Identifiers: ClinVar variation 2563027 (VCV002563027.2), dbSNP rs1567728636, ClinGen allele CA399089876.

ClinVar aggregate classification (germline): Uncertain significance (1 of 4 stars; one submission).

Conditions:
Hereditary cancer-predisposing syndrome. Also called: Neoplastic Syndromes, Hereditary; Hereditary Cancer Syndrome; Hereditary neoplastic syndrome; Tumor predisposition. Identifiers: Orphanet 140162, MedGen C0027672, MeSH D009386, MONDO:0015356.

Submission:

Ambry Genetics
Classification: Uncertain significance for Hereditary cancer-predisposing syndrome. Last evaluated: 2023-04-06. Review status: criteria provided, single submitter. Criteria: Ambry Variant Classification Scheme 2023. Collection method: clinical testing. Allele origin: germline.
Comment: The c.345+1G>T intronic variant results from a G to T substitution one nucleotide after coding exon 4 of the RAD51D gene. This nucleotide position is highly conserved in available vertebrate species. In silico splice site analysis predicts that this alteration will weaken the native splice donor site; however, direct evidence is insufficient at this time (Ambry internal data). In addition, RNA data have shown that exons 3 through 5 are excluded in several naturally occurring RAD51D isoforms (Davy G et al. Eur. J. Hum. Genet., 2017 10;25:1147-1154). Since supporting evidence is limited at this time, the clinical significance of this alteration remains unclear.